The following is an entry in ClinVar:

NM_000051.4(ATM):c.325A>T (p.Asn109Tyr)

Gene: ATM (ATM serine/threonine kinase; plus strand). Cytogenetic location: 11q22.3.
Variant type: single nucleotide variant.
Coding change: c.325A>T on transcript NM_000051.4 (MANE Select); coding-DNA position 325, A replaced by T.
Protein change: p.Asn109Tyr; replaces asparagine 109 with tyrosine.
Molecular consequence: missense variant.
Genome position (GRCh38, 1-based): chr11:108,229,317, A>T. VCF-style: chr11-108229317-A-T. GRCh37 (hg19) VCF-style: chr11-108100044-A-T.
Other names: c.325A>T, p.Asn109Tyr (NM_001351834.2, NM_001351835.2, NM_001351836.2); short protein forms N109Y.
Identifiers: ClinVar variation 1363348 (VCV001363348.10), dbSNP rs2135038523, ClinGen allele CA382521807.

ClinVar aggregate classification (germline): Uncertain significance. Review status: criteria provided, multiple submitters, no conflicts (2 of 4 stars). 2 submissions from 2 submitters: Uncertain significance (2). Last evaluated 2021-06-23.

Conditions:
Ataxia-telangiectasia syndrome (AT). Also called: ATAXIA-TELANGIECTASIA, COMPLEMENTATION GROUP A; ATAXIA-TELANGIECTASIA, FRESNO VARIANT; Ataxia-telangiectasia; Ataxia-telangiectasia, complementation group D; Ataxia-telangiectasia, complementation group E; Ataxia telangiectasia (A-T). Identifiers: Orphanet 100, MedGen C0004135, MONDO:0008840, OMIM 208900.
Hereditary cancer-predisposing syndrome. Also called: Hereditary Cancer Syndrome; Hereditary neoplastic syndrome; Tumor predisposition; Neoplastic Syndromes, Hereditary. Identifiers: Orphanet 140162, MedGen C0027672, MeSH D009386, MONDO:0015356.

Submissions (2):

Labcorp Genetics (formerly Invitae), Labcorp
Classification: Uncertain significance for Ataxia-telangiectasia syndrome. Last evaluated: 2021-06-23. Review status: criteria provided, single submitter. Criteria: Invitae Variant Classification Sherloc (09022015). Collection method: clinical testing. Allele origin: germline.
Comment: In summary, the available evidence is currently insufficient to determine the role of this variant in disease. Therefore, it has been classified as a Variant of Uncertain Significance. Advanced modeling of protein sequence and biophysical properties (such as structural, functional, and spatial information, amino acid conservation, physicochemical variation, residue mobility, and thermodynamic stability) performed at Invitae indicates that this missense variant is not expected to disrupt ATM protein function. This variant has not been reported in the literature in individuals affected with ATM-related conditions. This variant is not present in population databases (ExAC no frequency). This sequence change replaces asparagine with tyrosine at codon 109 of the ATM protein (p.Asn109Tyr). The asparagine residue is highly conserved and there is a large physicochemical difference between asparagine and tyrosine.

Ambry Genetics
Classification: Uncertain significance for Hereditary cancer-predisposing syndrome. Last evaluated: 2019-05-29. Review status: criteria provided, single submitter. Criteria: Ambry Variant Classification Scheme 2023. Collection method: clinical testing. Allele origin: germline.
Comment: The p.N109Y variant (also known as c.325A>T), located in coding exon 3 of the ATM gene, results from an A to T substitution at nucleotide position 325. The asparagine at codon 109 is replaced by tyrosine, an amino acid with dissimilar properties. This amino acid position is highly conserved in available vertebrate species. In addition, this alteration is predicted to be deleterious by in silico analysis. Since supporting evidence is limited at this time, the clinical significance of this alteration remains unclear.